The following is an entry in ClinVar:

NM_001170629.2(CHD8):c.2726C>G (p.Ser909Ter)

Gene: CHD8 (chromodomain helicase DNA binding protein 8; minus strand). Cytogenetic location: 14q11.2.
Variant type: single nucleotide variant.
Coding change: c.2726C>G on transcript NM_001170629.2 (MANE Select); coding-DNA position 2726, C replaced by G.
Protein change: p.Ser909Ter; replaces serine 909 with a stop codon.
Molecular consequence: nonsense.
Genome position (GRCh38, 1-based): chr14:21,408,316, G>C on the plus strand (C>G on the coding strand, the complement: CHD8 is on the minus strand). VCF-style: chr14-21408316-G-C. GRCh37 (hg19) VCF-style: chr14-21876475-G-C.
Other names: c.1889C>G, p.Ser630Ter (NM_020920.4); short protein forms S630*, S909*.
Identifiers: ClinVar variation 1694715 (VCV001694715.34), dbSNP rs774906516, ClinGen allele CA388874466.

ClinVar aggregate classification (germline): Pathogenic/Likely pathogenic. Review status: criteria provided, multiple submitters, no conflicts (2 of 4 stars). 3 submissions from 3 submitters: Pathogenic (2); Likely pathogenic (1). Last evaluated 2025-06-24.

Conditions:
Intellectual developmental disorder with autism and macrocephaly. Also called: Autism, susceptibility to, 18; CHD8-Related Neurodevelopmental Disorder with Overgrowth. Identifiers: Orphanet 642675, MedGen C3554373, MONDO:0014017, OMIM 615032.

Submissions (3):

GeneDx
Classification: Pathogenic. Last evaluated: 2025-06-24. Review status: criteria provided, single submitter. Criteria: GeneDx Variant Classification Process June 2021. Collection method: clinical testing. Allele origin: germline. Affected: yes.
Comment: Nonsense variant predicted to result in protein truncation or nonsense mediated decay in a gene for which loss of function is a known mechanism of disease; Has not been previously published as pathogenic or benign to our knowledge; Not observed at significant frequency in large population cohorts (gnomAD)

Genomic Medicine Center of Excellence, King Faisal Specialist Hospital and Research Centre
Classification: Pathogenic for Intellectual developmental disorder with autism and macrocephaly. Last evaluated: 2024-03-26. Review status: criteria provided, single submitter. Criteria: ACMG Guidelines, 2015. Collection method: clinical testing. Allele origin: germline.

CeGaT Center for Human Genetics Tuebingen
Classification: Likely pathogenic. Last evaluated: 2022-06-01. Review status: criteria provided, single submitter. Criteria: CeGaT Center For Human Genetics Tuebingen Variant Classification Criteria Version 2. Collection method: clinical testing. Allele origin: germline. Affected: yes. Observed: 1 variant allele.
Comment: CHD8: PVS1, PM2:Supporting